The following is an entry in ClinVar:

NM_000093.5(COL5A1):c.5173G>A (p.Val1725Met)

Genes: COL5A1 (collagen type V alpha 1 chain; plus strand), LOC101448202 (uncharacterized LOC101448202; minus strand). Cytogenetic location: 9q34.3.
Variant type: single nucleotide variant.
Coding change: c.5173G>A on transcript NM_000093.5 (MANE Select); coding-DNA position 5173, G replaced by A.
Protein change: p.Val1725Met; replaces valine 1725 with methionine.
Molecular consequence: missense variant.
Genome position (GRCh38, 1-based): chr9:134,835,007, G>A. VCF-style: chr9-134835007-G-A. GRCh37 (hg19) VCF-style: chr9-137726853-G-A.
Other names: c.5173G>A, p.Val1725Met (NM_001278074.1); short protein forms V1725M.
Identifiers: ClinVar variation 1393746 (VCV001393746.6), dbSNP rs972629744, ClinGen allele CA201113762.
Genomic context (GRCh38, chr9:134,835,007, plus strand): 5'-GCCCCAACACCCCTGTCCCCCCAGCTCTCCTATGTGGACGCCGAGGGCAACCCTGTGGGT[G>A]TGGTACAGATGACCTTCCTGCGGCTGCTGAGCGCCTCTGCCCACCAGAACGTCACCTACC-3'
Protein context (NP_000084.3, residues 1715-1735): YVDAEGNPVG[Val1725Met]VQMTFLRLLS

ClinVar aggregate classification (germline): Uncertain significance (1 of 4 stars; one submission).

Conditions:
Ehlers-Danlos syndrome, classic type, 1 (EDSCL1). Also called: EHLERS-DANLOS SYNDROME, GRAVIS TYPE; EHLERS-DANLOS SYNDROME, SEVERE CLASSIC TYPE; Ehlers-Danlos syndrome, type 1; Ehlers-Danlos Syndrome, Classic Type, COL5A1-Related; EDS I. Identifiers: MedGen C0268335, MONDO:0019567, OMIM 130000.

Allele frequency attached by ClinVar (database versions not stated): gnomAD exomes below 0.00001.
gnomAD v4.1: 1 of 1,613,810 alleles (0.000062%); no homozygotes.

Submission:

Labcorp Genetics (formerly Invitae), Labcorp
Classification: Uncertain significance for Ehlers-Danlos syndrome, classic type, 1. Last evaluated: 2025-04-07. Review status: criteria provided, single submitter. Criteria: Invitae Variant Classification Sherloc (09022015). Collection method: clinical testing. Allele origin: germline.
Comment: This sequence change replaces valine, which is neutral and non-polar, with methionine, which is neutral and non-polar, at codon 1725 of the COL5A1 protein (p.Val1725Met). This variant is not present in population databases (gnomAD no frequency). This variant has not been reported in the literature in individuals affected with COL5A1-related conditions. ClinVar contains an entry for this variant (Variation ID: 1393746). Invitae Evidence Modeling of protein sequence and biophysical properties (such as structural, functional, and spatial information, amino acid conservation, physicochemical variation, residue mobility, and thermodynamic stability) indicates that this missense variant is not expected to disrupt COL5A1 protein function with a negative predictive value of 95%. In summary, the available evidence is currently insufficient to determine the role of this variant in disease. Therefore, it has been classified as a Variant of Uncertain Significance.